The following is an entry in ClinVar:

NM_000130.5(F5):c.3950G>A (p.Gly1317Asp)

Gene: F5 (coagulation factor V; minus strand). Cytogenetic location: 1q24.2.
Variant type: single nucleotide variant.
Coding change: c.3950G>A on transcript NM_000130.5 (MANE Select); coding-DNA position 3950, G replaced by A.
Protein change: p.Gly1317Asp; replaces glycine 1317 with aspartic acid.
Molecular consequence: missense variant.
Genome position (GRCh38, 1-based): chr1:169,541,140, C>T on the plus strand (G>A on the coding strand, the complement: F5 is on the minus strand). VCF-style: chr1-169541140-C-T. GRCh37 (hg19) VCF-style: chr1-169510378-C-T.
Other names: short protein forms G1317D.
Identifiers: ClinVar variation 4691152 (VCV004691152.1).

ClinVar aggregate classification (germline): Uncertain significance (1 of 4 stars; one submission).

Conditions:
Congenital factor V deficiency. Also called: LABILE FACTOR DEFICIENCY; OWREN PARAHEMOPHILIA; PARAHEMOPHILIA; Hereditary factor V deficiency disease. Identifiers: Orphanet 326, MedGen C0015499, MONDO:0009210, OMIM 227400.

Submission:

Labcorp Genetics (formerly Invitae), Labcorp
Classification: Uncertain significance for Congenital factor V deficiency. Last evaluated: 2025-09-30. Review status: criteria provided, single submitter. Criteria: Invitae Variant Classification Sherloc (09022015). Collection method: clinical testing. Allele origin: germline.
Comment: This sequence change replaces glycine, which is neutral and non-polar, with aspartic acid, which is acidic and polar, at codon 1317 of the F5 protein (p.Gly1317Asp). This variant is not present in population databases (gnomAD no frequency). This variant has not been reported in the literature in individuals affected with F5-related conditions. Invitae Evidence Modeling of protein sequence and biophysical properties (such as structural, functional, and spatial information, amino acid conservation, physicochemical variation, residue mobility, and thermodynamic stability) indicates that this missense variant is not expected to disrupt F5 protein function with a negative predictive value of 80%. In summary, the available evidence is currently insufficient to determine the role of this variant in disease. Therefore, it has been classified as a Variant of Uncertain Significance.